The following is an entry in ClinVar:

NM_001081.4(CUBN):c.3417A>G (p.Leu1139=)

Gene: CUBN (cubilin; minus strand). Cytogenetic location: 10p13.
Variant type: single nucleotide variant.
Coding change: c.3417A>G on transcript NM_001081.4 (MANE Select); coding-DNA position 3417, A replaced by G.
Protein change: p.Leu1139=; no amino-acid change (leucine 1139 retained).
Molecular consequence: synonymous variant.
Genome position (GRCh38, 1-based): chr10:17,046,007, T>C on the plus strand (A>G on the coding strand, the complement: CUBN is on the minus strand). VCF-style: chr10-17046007-T-C. GRCh37 (hg19) VCF-style: chr10-17088006-T-C.
Other names: p.Leu1139=.
Identifiers: ClinVar variation 299490 (VCV000299490.20), dbSNP rs1801228, ClinGen allele CA5424676.

ClinVar aggregate classification (germline): Benign. Review status: criteria provided, multiple submitters, no conflicts (2 of 4 stars). 7 submissions from 7 submitters: Benign (7). Last evaluated 2026-01-31.

Conditions:
Imerslund-Grasbeck syndrome. Also called: ENTEROCYTE COBALAMIN MALABSORPTION; ENTEROCYTE INTRINSIC FACTOR RECEPTOR, DEFECT OF; Imerslund-Gräsbeck syndrome; PERNICIOUS ANEMIA, JUVENILE, DUE TO SELECTIVE INTESTINAL MALABSORPTION OF VITAMIN B12, WITH PROTEINURIA; Megaloblastic anemia due to inborn errors of metabolism. Identifiers: Orphanet 35858, MedGen C4551825, MONDO:0009853.
Imerslund-Grasbeck syndrome type 1 (IGS1). Also called: Megaloblastic anemia 1, Finnish type; MEGALOBLASTIC ANEMIA, 1; Imerslund-Gräsbeck syndrome 1. Identifiers: MedGen C4016819, MONDO:0100156, OMIM 261100.

Allele frequency attached by ClinVar (database versions not stated): TOPMed 0.02817; gnomAD 0.02872 and 0.03502; ESP Exome Variant Server 0.03091; 1000 Genomes Project 30x 0.06418; 1000 Genomes Project 0.06889.
gnomAD v4.1: 71,064 of 1,613,820 alleles (4.4%); highest among the groups gnomAD compares: South Asian, 21%; 3,217 homozygotes.

Submissions (7):

Labcorp Genetics (formerly Invitae), Labcorp
Classification: Benign for Imerslund-Grasbeck syndrome. Last evaluated: 2026-01-31. Review status: criteria provided, single submitter. Criteria: Invitae Variant Classification Sherloc (09022015). Collection method: clinical testing. Allele origin: germline.

Blueprint Genetics
Classification: Benign. Last evaluated: 2024-11-27. Review status: criteria provided, single submitter. Criteria: ACMG Guidelines, 2015. Collection method: clinical testing. Allele origin: germline.

Mayo Clinic Laboratories, Mayo Clinic
Classification: Benign. Last evaluated: 2023-04-03. Review status: criteria provided, single submitter. Criteria: ACMG Guidelines, 2015. Collection method: clinical testing. Allele origin: germline. Observed: 12 variant alleles.

Genome-Nilou Lab
Classification: Benign for Imerslund-Grasbeck syndrome type 1. Last evaluated: 2021-07-30. Review status: criteria provided, single submitter. Criteria: ACMG Guidelines, 2015. Collection method: clinical testing. Allele origin: germline. Affected: no.

GeneDx
Classification: Benign. Last evaluated: 2018-11-01. Review status: criteria provided, single submitter. Criteria: GeneDx Variant Classification Process June 2021. Collection method: clinical testing. Allele origin: germline. Affected: yes.

Illumina Laboratory Services, Illumina
Classification: Benign for Imerslund-Grasbeck syndrome type 1. Last evaluated: 2018-01-12. Review status: criteria provided, single submitter. Criteria: ICSL Variant Classification Criteria 13 December 2019. Collection method: clinical testing. Allele origin: germline.
Comment: This variant was observed in the ICSL laboratory as part of a predisposition screen in an ostensibly healthy population. It had not been previously curated by ICSL or reported in the Human Gene Mutation Database (HGMD: prior to June 1st, 2018), and was therefore a candidate for classification through an automated scoring system. Utilizing variant allele frequency, disease prevalence and penetrance estimates, and inheritance mode, an automated score was calculated to assess if this variant is too frequent to cause the disease. Based on the score and internal cut-off values, a variant classified as benign is not then subjected to further curation. The score for this variant resulted in a classification of benign for this disease.

Breakthrough Genomics
Classification: Benign. Review status: criteria provided, single submitter. Criteria: ACMG Guidelines, 2015. Collection method: not provided. Allele origin: germline. Inheritance: Autosomal recessive inheritance. Affected: yes.